The following is an entry in ClinVar:

ClinVar aggregate classification (germline): Uncertain significance (1 of 4 stars; one submission).

Submission:

Labcorp Genetics (formerly Invitae), Labcorp
Classification: Uncertain significance. Last evaluated: 2023-10-29. Review status: criteria provided, single submitter. Criteria: Invitae Variant Classification Sherloc (09022015). Collection method: clinical testing. Allele origin: germline.
Comment: This sequence change replaces leucine, which is neutral and non-polar, with phenylalanine, which is neutral and non-polar, at codon 18 of the RPL23 protein (p.Leu18Phe). This variant is not present in population databases (gnomAD no frequency). This variant has not been reported in the literature in individuals affected with RPL23-related conditions. An algorithm developed to predict the effect of missense changes on protein structure and function (PolyPhen-2) suggests that this variant is likely to be tolerated. In summary, the available evidence is currently insufficient to determine the role of this variant in disease. Therefore, it has been classified as a Variant of Uncertain Significance.

NM_000978.4(RPL23):c.54G>C (p.Leu18Phe)

Genes: RPL23 (ribosomal protein L23; minus strand), LOC126862551 (P300/CBP strongly-dependent group 1 enhancer GRCh37_chr17:37008921-37010120; plus strand). Cytogenetic location: 17q12.
Variant type: single nucleotide variant.
Coding change: c.54G>C on transcript NM_000978.4 (MANE Select); coding-DNA position 54, G replaced by C.
Protein change: p.Leu18Phe; replaces leucine 18 with phenylalanine.
Molecular consequence: missense variant.
Genome position (GRCh38, 1-based): chr17:38,853,065, C>G on the plus strand (G>C on the coding strand, the complement: RPL23 is on the minus strand). VCF-style: chr17-38853065-C-G. GRCh37 (hg19) VCF-style: chr17-37009318-C-G.
Other names: short protein forms L18F.
Identifiers: ClinVar variation 2772723 (VCV002772723.3), dbSNP rs2509020934, ClinGen allele CA398788059.